The following is an entry in ClinVar:

ClinVar aggregate classification (germline): Uncertain significance (1 of 4 stars; one submission).

Allele frequency attached by ClinVar (database versions not stated): ESP Exome Variant Server 0.00008; ExAC 0.00001; gnomAD 0.00001; gnomAD exomes 0.00001; TOPMed 0.00002.
gnomAD v4.1: 14 of 1,613,988 alleles (0.00087%); highest among the groups gnomAD compares: Admixed American, 0.005%; no homozygotes.

Submission:

Labcorp Genetics (formerly Invitae), Labcorp
Classification: Uncertain significance. Last evaluated: 2025-09-06. Review status: criteria provided, single submitter. Criteria: Invitae Variant Classification Sherloc (09022015). Collection method: clinical testing. Allele origin: germline.
Comment: This sequence change replaces glycine, which is neutral and non-polar, with alanine, which is neutral and non-polar, at codon 43 of the TMEM106B protein (p.Gly43Ala). This variant is present in population databases (rs137861973, gnomAD 0.009%). This variant has not been reported in the literature in individuals affected with TMEM106B-related conditions. ClinVar contains an entry for this variant (Variation ID: 1989415). Invitae Evidence Modeling of protein sequence and biophysical properties (such as structural, functional, and spatial information, amino acid conservation, physicochemical variation, residue mobility, and thermodynamic stability) indicates that this missense variant is not expected to disrupt TMEM106B protein function with a negative predictive value of 80%. In summary, the available evidence is currently insufficient to determine the role of this variant in disease. Therefore, it has been classified as a Variant of Uncertain Significance.

NM_001134232.2(TMEM106B):c.128G>C (p.Gly43Ala)

Gene: TMEM106B (transmembrane protein 106B; plus strand). Cytogenetic location: 7p21.3.
Variant type: single nucleotide variant.
Coding change: c.128G>C on transcript NM_001134232.2 (MANE Select); coding-DNA position 128, G replaced by C.
Protein change: p.Gly43Ala; replaces glycine 43 with alanine.
Molecular consequence: missense variant.
Genome position (GRCh38, 1-based): chr7:12,214,938, G>C. VCF-style: chr7-12214938-G-C. GRCh37 (hg19) VCF-style: chr7-12254564-G-C.
Other names: c.128G>C, p.Gly43Ala (NM_018374.4); short protein forms G43A.
Identifiers: ClinVar variation 1989415 (VCV001989415.4), dbSNP rs137861973, ClinGen allele CA4164979.